The following is an entry in ClinVar:

NM_000238.4(KCNH2):c.2959_2960del (p.Leu987fs)

Gene: KCNH2 (potassium voltage-gated channel subfamily H member 2; minus strand). Cytogenetic location: 7q36.1.
Variant type: Deletion.
Coding change: c.2959_2960del on transcript NM_000238.4 (MANE Select); coding-DNA positions 2959 to 2960, 2 bases deleted (CT; older notation c.2959_2960delCT).
Protein change: p.Leu987fs; shifts the reading frame from leucine 987.
Molecular consequence: frameshift variant.
Genome position (GRCh38, 1-based): chr7:150,947,611-150,947,612, AG deleted on the plus strand (CT on the coding strand, the reverse complement: KCNH2 is on the minus strand). VCF-style (leftmost placement, unchanged base first): chr7-150947610-CAG-C. GRCh37 (hg19) VCF-style: chr7-150644698-CAG-C.
Other names: c.2959_2960delCT (NM_000238.3); c.2959_2960del (NM_000238.2); c.1939_1940del, p.Leu647fs (NM_172057.3); short protein forms L987fs, L647fs.
Identifiers: ClinVar variation 200693 (VCV000200693.60), dbSNP rs748706373, ClinGen allele CA007697.
Genomic context (GRCh38, chr7:150,947,610, plus strand): 5'-GACGCACCACCGCTGCCACGCCCGGTCCTCCCTCGCCCGCCCGTCGCCCGGGATACCTGA[CAG>C]GGGGTTGCAAGTGTCGCTGCTCTTCTCGCAGTCCTCCATCAGGGGCTCCCCACCCGGCGG-3'

ClinVar aggregate classification (germline): Pathogenic. Review status: criteria provided, multiple submitters, no conflicts (2 of 4 stars). 11 submissions from 11 submitters: Pathogenic (11). Last evaluated 2026-10-28.

Conditions:
KCNH2-related disorder. Also called: KCNH2-related condition; KCNH2-related disorders.
Cardiovascular phenotype. Identifiers: MedGen CN230736.
Cardiac arrhythmia. Also called: Arrhythmia; Cardiac rhythm disease. Identifiers: MedGen C0003811, MONDO:0007263, HP:0011675.
Short QT syndrome type 1. Identifiers: Orphanet 51083, MedGen C1865020, MONDO:0012312, OMIM 609620.
Long QT syndrome 2 (LQT2). Identifiers: Orphanet 101016, Orphanet 768, MedGen C3150943, MONDO:0013367, OMIM 613688.
Long QT syndrome (LQTS). Identifiers: MedGen C0023976, MeSH D008133, MONDO:0002442. Disease mechanism: loss of function. Inheritance: Various modes of inheritance.

Allele frequency attached by ClinVar (database versions not stated): gnomAD exomes below 0.00001; TOPMed below 0.00001; ExAC 0.00002.

Submissions (11):

Clinical Genetics Laboratory, Skane University Hospital Lund
Classification: Pathogenic for Long QT syndrome 2. Last evaluated: 2026-10-28. Review status: criteria provided, single submitter. Criteria: ACMG Guidelines, 2015. Collection method: clinical testing. Allele origin: germline. Affected: yes.
Comment: KCNH2 (NM_000238.4) c.2959_2960del, p.(Leu987Valfs*131) is a 2-base pair deletion in exon 12 of 15, resulting in a frameshift and a premature termination codon, which is expected to produce a truncated protein. The KCNH2 c.2959_2960del variant has previously been identified at a low allele frequency in the general population, has been reported in the literature (including PMID: 10973849), and is classified as pathogenic in the ClinVar database (Accession: VCV000200693.58). The variant has been classified as pathogenic according to the ACMG/AMP guidelines based on the following criteria: PVS1_Strong, PS4, and PM2.

CeGaT Center for Human Genetics Tuebingen
Classification: Pathogenic. Last evaluated: 2026-03-01. Review status: criteria provided, single submitter. Criteria: CeGaT Center For Human Genetics Tuebingen Variant Classification Criteria Version 2. Collection method: clinical testing. Allele origin: germline. Affected: yes. Observed: 2 variant alleles.
Comment: KCNH2: PS4, PVS1:Strong, PM2

Victorian Clinical Genetics Services, Murdoch Childrens Research Institute
Classification: Pathogenic for Long QT syndrome 2. Last evaluated: 2025-10-27. Review status: criteria provided, single submitter. Criteria: ACMG Guidelines, 2015. Collection method: clinical testing. Allele origin: germline. Affected: yes.
Comment: This variant is classified as Pathogenic. Evidence in support of pathogenic classification: Variant is predicted to result in a truncated protein (premature termination codon is NOT located at least 54 nucleotides upstream of the final exon-exon junction) with less than 1/3 of the protein sequence affected; Variant is present in gnomAD <0.001 for a dominant condition (v4: 1 heterozygote(s), 0 homozygote(s)); This variant has strong previous evidence of pathogenicity in unrelated individuals. This variant has been classified as pathogenic by clinical laboratories in ClinVar. It has also been reported in the literature in multiple unrelated individuals with long QT syndrome (PMID: 32893267); Other premature termination variants comparable to the one identified in this case have very strong previous evidence for pathogenicity. Many frameshift variants downstream have been reported as likely pathogenic/pathogenic (ClinVar). Additional information: This variant is heterozygous; This gene is associated with autosomal dominant disease; Variant is not located in an established domain, motif, hotspot or informative constraint region; Dominant negative and loss of function are known mechanisms of disease in this gene and are associated with long QT syndrome 2 (MIM#613688). Gain of function is also a known mechanism associated with short QT syndrome 1 (MIM#609620) (OMIM, PMIDs: 10753933, 21777565); The condition associated with this gene has incomplete penetrance (PMID: 20301308); Inheritance information for this variant is not currently available in this individual.

Labcorp Genetics (formerly Invitae), Labcorp
Classification: Pathogenic for Long QT syndrome. Last evaluated: 2025-05-27. Review status: criteria provided, single submitter. Criteria: Invitae Variant Classification Sherloc (09022015). Collection method: clinical testing. Allele origin: germline.
Comment: This sequence change creates a premature translational stop signal (p.Leu987Valfs*131) in the KCNH2 gene. It is expected to result in an absent or disrupted protein product. Loss-of-function variants in KCNH2 are known to be pathogenic (PMID: 10973849, 19862833). This variant is present in population databases (rs748706373, gnomAD 0.0009%). This premature translational stop signal has been observed in individuals with long QT syndrome (PMID: 10973849, 19716085, 23098067, 26669661). This variant is also known as p.P986fs/130. ClinVar contains an entry for this variant (Variation ID: 200693). For these reasons, this variant has been classified as Pathogenic.

Ambry Genetics
Classification: Pathogenic for Cardiovascular phenotype. Last evaluated: 2025-05-16. Review status: criteria provided, single submitter. Criteria: Ambry Variant Classification Scheme 2023. Collection method: clinical testing. Allele origin: germline.
Comment: The c.2959_2960delCT pathogenic mutation, located in coding exon 12 of the KCNH2 gene, results from a deletion of two nucleotides between positions 2959 and 2960, causing a translational frameshift with a predicted alternate stop codon (p.L987Vfs*131). This alteration occurs at the 3' terminus of theKCNH2 gene, is not expected to trigger nonsense-mediated mRNA decay, and impacts the last 15% of the protein. However, premature stop codons are typically deleterious in nature, a significant portion of the protein is affected, and the impacted region is critical for protein function (Ambry internal data). This variant (also referred to as P986fs/130) was reported in individual(s) with features consistent with long QT syndrome (Splawski I et al. Circulation. 2000;102(10):1178-85 (reported as P986fs/130; Kapplinger JD et al. Heart Rhythm. 2009;6(9):1297-303; Stattin EL et al. BMC Cardiovasc Disord. 2012;12:95; Du Pre BC et al. Front Physiol, 2017 Aug;8:590; Ambry internal data). Based on the supporting evidence, this variant is interpreted as a disease-causing mutation.

GeneDx
Classification: Pathogenic. Last evaluated: 2021-07-12. Review status: criteria provided, single submitter. Criteria: GeneDx Variant Classification Process June 2021. Collection method: clinical testing. Allele origin: germline. Affected: yes.
Comment: Not observed at significant frequency in large population cohorts (Lek et al., 2016); Frameshift variant predicted to result in protein truncation in a gene for which loss-of-function is a known mechanism of disease; Reported in ClinVar as pathogenic (ClinVar Variant ID# 200693; Landrum et al., 2016); This variant is associated with the following publications: (PMID: 27535533, 23098067, 19841300, 19165230, 28861002, 19716085, 10973849, 26669661, 21737021)

Institute of Medical Genetics and Applied Genomics, University Hospital Tübingen
Classification: Pathogenic. Last evaluated: 2020-10-23. Review status: criteria provided, single submitter. Criteria: ACMG Guidelines, 2015. Collection method: clinical testing. Allele origin: germline. Inheritance: Autosomal dominant inheritance. Affected: yes.

Blueprint Genetics
Classification: Pathogenic for KCNH2-related disorders. Last evaluated: 2020-07-08. Review status: criteria provided, single submitter. Criteria: ACMG Guidelines, 2015. Collection method: clinical testing. Allele origin: germline. Affected: yes. Observed: 3 variant alleles.

Color Diagnostics, LLC DBA Color Health
Classification: Pathogenic for Cardiac arrhythmia. Last evaluated: 2018-11-19. Review status: criteria provided, single submitter. Criteria: ACMG Guidelines, 2015. Collection method: clinical testing. Allele origin: germline.
Comment: This variant (also known as p.P986fs+130X in the literature) resuolts in the deletion of 2 nucleotides in exon 12 of the KCNH2 gene, creating a frameshift and premature translation stop signal. This variant is expected to result in an absent or non-functional protein product. Computational splicing tools suggest that this variant may not impact RNA splicing. To our knowledge, functional assays have not been performed for this variant. This variant has been reported in multiple individuals from three families affected with long QT syndrome (PMID: 10973849, 26669661) and in individuals referred for long QT testing (PMID: 19716085, 23098067). This variant has been identified in 1/241050 chromosomes in the general population by the Genome Aggregation Database (gnomAD). Loss of KCNH2 function is a known mechanism of disease. Based on available evidence, this variant is classified as Pathogenic.

Women's Health and Genetics/Laboratory Corporation of America, LabCorp
Classification: Pathogenic for Cardiovascular phenotype. Last evaluated: 2017-01-30. Review status: criteria provided, single submitter. Criteria: LabCorp Variant Classification Summary - May 2015. Collection method: clinical testing. Allele origin: germline.
Comment: Variant summary: The KCNH2 c.2959_2960delCT (p.Leu987Valfs) variant results in a premature termination codon, predicted to cause a truncated or absent KCNH2 protein due to nonsense mediated decay, which are commonly known mechanisms for disease. This variant was found in 2/98624 control chromosomes at a frequency of 0.0000203, which does not exceed the estimated maximal expected allele frequency of a pathogenic KCNH2 variant (0.0001233). Multiple publications have cited the variant in affected individuals diagnosed with LQTS. In addition, multiple clinical diagnostic laboratories/reputable databases classified this variant as pathogenic. Taken together, this variant is classified as pathogenic.

Center for Genomics, Ann and Robert H. Lurie Children's Hospital of Chicago
Classification: Pathogenic for Short QT syndrome type 1; Long QT syndrome 2. Review status: criteria provided, single submitter. Criteria: ACMG Guidelines, 2015. Collection method: clinical testing. Allele origin: germline.
Comment: KCNH2 NM_000238.3 exon 12 p.Leu987Valfs*131 (c.2959_2960del): This variant has been reported in the literature in at least 6 individuals with a clinical suspicion or diagnosis of Long QT syndrome (also reported as P986fs; Splawski 2000 PMID:10973849, Kapplinger 2009 PMID:19716085, Stattin 2012 PMID:23098067, Itoh 2016 PMID:26669661). This variant is present in 0.0009% (1/110530) of European alleles in the Genome Aggregation Database. Please note, disease causing variants may be present in control databases at low frequencies, reflective of the general population, carrier status and/or variable expressivity. This variant is present in ClinVar, with several labs classifying this variant as pathogenic (Variation ID:200693). Evolutionary conservation and computational predictive tools for this variant are limited or unavailable. This variant is a deletion of 2 nucleotides beginning at position 2959 and creates a premature stop codon 131 amino acids downstream from this location which results in an absent or abnormal protein. Loss of function variants are a known mechanism of disease for this gene (Hedley 2009 PMID:19862833). In summary, this variant is classified as pathogenic.

Literature cited by the submitters: PubMed 10753933 (cited by Victorian Clinical Genetics Services, Murdoch Childrens Research Institute); PubMed 20301308 (cited by Victorian Clinical Genetics Services, Murdoch Childrens Research Institute); PubMed 21777565 (cited by Victorian Clinical Genetics Services, Murdoch Childrens Research Institute); PubMed 32893267 (cited by Victorian Clinical Genetics Services, Murdoch Childrens Research Institute); PubMed 10973849 (cited by 3 submitters); PubMed 19862833 (cited by Labcorp Genetics (formerly Invitae), Labcorp); PubMed 19716085 (cited by 3 submitters); PubMed 23098067 (cited by 3 submitters); PubMed 26669661 (cited by Labcorp Genetics (formerly Invitae), Labcorp); PubMed 28861002 (cited by Ambry Genetics); PubMed 26715165 (cited by Women's Health and Genetics/Laboratory Corporation of America, LabCorp).